The following is an entry in ClinVar:

ClinVar aggregate classification (germline): Uncertain significance (1 of 4 stars; one submission).

Submission:

Ambry Genetics
Classification: Uncertain significance. Last evaluated: 2021-11-19. Review status: criteria provided, single submitter. Criteria: Ambry Variant Classification Scheme 2023. Collection method: clinical testing. Allele origin: germline.
Comment: The p.P378S variant (also known as c.1132C>T), located in coding exon 6 of the PKP4 gene, results from a C to T substitution at nucleotide position 1132. The proline at codon 378 is replaced by serine, an amino acid with similar properties. This amino acid position is conserved. In addition, the in silico prediction for this alteration is inconclusive. Since supporting evidence is limited at this time, the clinical significance of this alteration remains unclear.

NM_003628.6(PKP4):c.1132C>T (p.Pro378Ser)

Gene: PKP4 (plakophilin 4; plus strand). Cytogenetic location: 2q24.1.
Variant type: single nucleotide variant.
Coding change: c.1132C>T on transcript NM_003628.6 (MANE Select); coding-DNA position 1132, C replaced by T.
Protein change: p.Pro378Ser; replaces proline 378 with serine.
Molecular consequence: missense variant.
Genome position (GRCh38, 1-based): chr2:158,625,406, C>T. VCF-style: chr2-158625406-C-T. GRCh37 (hg19) VCF-style: chr2-159481918-C-T.
Other names: c.1132C>T, p.Pro378Ser (NM_001005476.4, NM_001304969.3, NM_001304971.2 and 6 more transcripts); c.106C>T, p.Pro36Ser (NM_001304970.3); c.1126C>T, p.Pro376Ser (NM_001377222.1, NM_001377223.1, NM_001377224.1); short protein forms P378S, P376S, P36S.
Identifiers: ClinVar variation 1728785 (VCV001728785.2), dbSNP rs2052675845, ClinGen allele CA348907247.